The following is an entry in ClinVar:

NM_015559.3(SETBP1):c.286G>A (p.Ala96Thr)

Gene: SETBP1 (SET binding protein 1; plus strand). Cytogenetic location: 18q12.3.
Variant type: single nucleotide variant.
Coding change: c.286G>A on transcript NM_015559.3 (MANE Select); coding-DNA position 286, G replaced by A.
Protein change: p.Ala96Thr; replaces alanine 96 with threonine.
Molecular consequence: missense variant.
Genome position (GRCh38, 1-based): chr18:44,701,632, G>A. VCF-style: chr18-44701632-G-A. GRCh37 (hg19) VCF-style: chr18-42281597-G-A.
Other names: c.286G>A, p.Ala96Thr (NM_001379142.1, NM_001410862.1, NM_001130110.2 and 1 more transcripts); short protein forms A96T.
Identifiers: ClinVar variation 3674573 (VCV003674573.2).

ClinVar aggregate classification (germline): Uncertain significance (1 of 4 stars; one submission).

gnomAD v4.1: 2 of 1,614,176 alleles (0.00012%); highest among the groups gnomAD compares: Admixed American, 0.0033%; no homozygotes.

Submission:

Labcorp Genetics (formerly Invitae), Labcorp
Classification: Uncertain significance. Last evaluated: 2024-11-21. Review status: criteria provided, single submitter. Criteria: Invitae Variant Classification Sherloc (09022015). Collection method: clinical testing. Allele origin: germline.
Comment: This sequence change replaces alanine, which is neutral and non-polar, with threonine, which is neutral and polar, at codon 96 of the SETBP1 protein (p.Ala96Thr). This variant is not present in population databases (gnomAD no frequency). This variant has not been reported in the literature in individuals affected with SETBP1-related conditions. An algorithm developed to predict the effect of missense changes on protein structure and function (PolyPhen-2) suggests that this variant is likely to be disruptive. In summary, the available evidence is currently insufficient to determine the role of this variant in disease. Therefore, it has been classified as a Variant of Uncertain Significance.